The following is an entry in ClinVar:

NM_000038.6(APC):c.4651A>T (p.Lys1551Ter)

Gene: APC (APC regulator of Wnt signaling pathway; plus strand). Cytogenetic location: 5q22.2.
Variant type: single nucleotide variant.
Coding change: c.4651A>T on transcript NM_000038.6 (MANE Select); coding-DNA position 4651, A replaced by T.
Protein change: p.Lys1551Ter; replaces lysine 1551 with a stop codon.
Molecular consequence: nonsense. On other transcripts: non-coding transcript variant (2).
Genome position (GRCh38, 1-based): chr5:112,840,245, A>T. VCF-style: chr5-112840245-A-T. GRCh37 (hg19) VCF-style: chr5-112175942-A-T.
Other names: c.4651A>T, p.Lys1551Ter (NM_001127510.3, NM_001354895.2, NM_001407450.1); c.4597A>T, p.Lys1533Ter (NM_001127511.3); c.4705A>T, p.Lys1569Ter (NM_001354896.2, NM_001407447.1, NM_001407448.1 and 1 more transcripts); c.4681A>T, p.Lys1561Ter (NM_001354897.2); c.4576A>T, p.Lys1526Ter (NM_001354898.2); c.4567A>T, p.Lys1523Ter (NM_001354899.2); c.4528A>T, p.Lys1510Ter (NM_001354900.2); c.4474A>T, p.Lys1492Ter (NM_001354901.2, NM_001407453.1); and 11 more; short protein forms K1167*, K1268*, K1391*, K1422*, K1425*, K1450*, K1460*, K1468*.
Identifiers: ClinVar variation 2584099 (VCV002584099.2), dbSNP rs2149920116, ClinGen allele CA16031525.
Genomic context (GRCh38, chr5:112,840,245, plus strand): 5'-AATGACAATGGGAATGAAACAGAATCAGAGCAGCCTAAAGAATCAAATGAAAACCAAGAG[A>T]AAGAGGCAGAAAAAACTATTGATTCTGAAAAGGACCTATTAGATGATTCAGATGATGATG-3'

ClinVar aggregate classification (germline): Pathogenic/Likely pathogenic. Review status: criteria provided, multiple submitters, no conflicts (2 of 4 stars). 2 submissions from 2 submitters: Pathogenic (1); Likely pathogenic (1). Last evaluated 2025-08-12.

Conditions:
APC-related disorder. Also called: APC-related condition.
Familial adenomatous polyposis 1 (FAP1). Also called: FAMILIAL ADENOMATOUS POLYPOSIS 1, ATTENUATED; POLYPOSIS, ADENOMATOUS INTESTINAL. Identifiers: MedGen C2713442, MONDO:0021056, OMIM 175100. Disease mechanism: loss of function.

Submissions (2):

3billion
Classification: Likely pathogenic for APC-related disorder. Last evaluated: 2025-08-12. Review status: criteria provided, single submitter. Criteria: ACMG Guidelines, 2015. Collection method: clinical testing. Allele origin: germline. Affected: yes.
Comment: The variant is not observed in the gnomAD v4.1.0 dataset. Predicted Consequence/Location: Stop-gained (nonsense): predicted to result in a loss or disruption of normal protein function through protein truncation. The predicted truncated protein may be shortened by more than 10%. The variant has been reported to be associated with APC-related disorder (ClinVar ID: VCV002584099). Therefore, this variant is classified as Likely pathogenic according to the recommendation of ACMG/AMP guideline.

Myriad Genetics, Inc.
Classification: Pathogenic for Familial adenomatous polyposis 1. Last evaluated: 2023-05-11. Review status: criteria provided, single submitter. Criteria: Myriad Autosomal Dominant, Autosomal Recessive and X-Linked Classification Criteria (2023). Collection method: clinical testing. Allele origin: unknown.
Comment: This variant is considered pathogenic. This variant creates a termination codon and is predicted to result in premature protein truncation.